The following is an entry in ClinVar:

ClinVar aggregate classification (germline): Pathogenic (1 of 4 stars; one submission).

Conditions:
Primary ciliary dyskinesia 3. Identifiers: Orphanet 244, MedGen C1837618, MONDO:0012085, OMIM 608644.

Submission:

Myriad Genetics, Inc.
Classification: Pathogenic for Primary ciliary dyskinesia 3. Last evaluated: 2024-05-14. Review status: criteria provided, single submitter. Criteria: Myriad Autosomal Dominant, Autosomal Recessive and X-Linked Classification Criteria (2023). Collection method: clinical testing. Allele origin: unknown.
Comment: NM_001369.2(DNAH5):c.11505_11506ins13(V3836Cfs*6) is expected to be pathogenic in the context of primary ciliary dyskinesia, DNAH5-related. This variant is predicted to lead to an abnormal or absent protein product due to the creation of a premature termination codon in DNAH5, a gene where loss-of-function variants are known to be pathogenic. Please note: this variant was assessed in the context of healthy population screening.

NM_001369.3(DNAH5):c.11505_11506insTGTATAAGAGACA (p.Val3836fs)

Gene: DNAH5 (dynein axonemal heavy chain 5; minus strand). Cytogenetic location: 5p15.2.
Variant type: Insertion.
Coding change: c.11505_11506insTGTATAAGAGACA on transcript NM_001369.3 (MANE Select); coding-DNA positions 11505 to 11506, TGTATAAGAGACA inserted.
Protein change: p.Val3836fs; shifts the reading frame from valine 3836.
Molecular consequence: frameshift variant.
Genome position: GRCh38 VCF-style: chr5-13735882-C-CTGTCTCTTATACA. GRCh37 (hg19) VCF-style: chr5-13735991-C-CTGTCTCTTATACA.
Other names: short protein forms V3836fs.
Identifiers: ClinVar variation 5011088 (VCV005011088.1).